The following is an entry in ClinVar:

NM_001127222.2(CACNA1A):c.796G>A (p.Gly266Ser)

Gene: CACNA1A (calcium voltage-gated channel subunit alpha1 A; minus strand). Cytogenetic location: 19p13.13.
Variant type: single nucleotide variant.
Coding change: c.796G>A on transcript NM_001127222.2 (MANE Select); coding-DNA position 796, G replaced by A.
Protein change: p.Gly266Ser; replaces glycine 266 with serine.
Molecular consequence: missense variant.
Genome position (GRCh38, 1-based): chr19:13,359,788, C>T on the plus strand (G>A on the coding strand, the complement: CACNA1A is on the minus strand). VCF-style: chr19-13359788-C-T. GRCh37 (hg19) VCF-style: chr19-13470602-C-T.
Other names: c.796G>A (NM_001127222.1, NM_000068.2); c.796G>A, p.Gly266Ser (NM_000068.4, NM_001127221.2, NM_001174080.2 and 1 more transcripts); short protein forms G266S.
Identifiers: ClinVar variation 287410 (VCV000287410.23), dbSNP rs17846908, ClinGen allele CA9240961.

ClinVar aggregate classification (germline): Benign/Likely benign. Review status: criteria provided, multiple submitters, no conflicts (2 of 4 stars). 7 submissions from 7 submitters: Benign (4); Likely benign (2). 1 of the submissions does not count toward it. Last evaluated 2026-01-12.

Conditions:
CACNA1A-related disorder. Also called: CACNA1A-related condition.
Developmental and epileptic encephalopathy, 42 (DEE42A). Also called: Epileptic encephalopathy, early infantile, 42; DEVELOPMENTAL AND EPILEPTIC ENCEPHALOPATHY 42A; EPILEPTIC ENCEPHALOPATHY, EARLY INFANTILE, 42A. Identifiers: MedGen C4310716, MONDO:0014917, OMIM 617106.
Episodic ataxia type 2 (EA2). Also called: EPISODIC ATAXIA, NYSTAGMUS-ASSOCIATED; ACETAZOLAMIDE-RESPONSIVE HEREDITARY PAROXYSMAL CEREBELLAR ATAXIA; ATAXIA, EPISODIC, WITH NYSTAGMUS; ATAXIA, FAMILIAL PAROXYSMAL; CEREBELLAR ATAXIA, PAROXYSMAL, ACETAZOLAMIDE-RESPONSIVE; CEREBELLOPATHY, HEREDITARY PAROXYSMAL. Identifiers: Orphanet 97, MedGen C1720416, MONDO:0007163, OMIM 108500.
Inborn genetic diseases. Identifiers: MedGen C0950123, MeSH D030342.

Allele frequency attached by ClinVar (database versions not stated): gnomAD exomes 0.00009 and 0.00030; gnomAD 0.00014 and 0.00021; TOPMed 0.00023; ExAC 0.00046; 1000 Genomes Project 30x 0.00125; 1000 Genomes Project 0.00140.
gnomAD v4.1: 168 of 1,519,056 alleles (0.011%); highest among the groups gnomAD compares: East Asian, 0.32%; no homozygotes.

Submissions (7):

Labcorp Genetics (formerly Invitae), Labcorp
Classification: Benign for Developmental and epileptic encephalopathy, 42; Episodic ataxia type 2. Last evaluated: 2026-01-12. Review status: criteria provided, single submitter. Criteria: Invitae Variant Classification Sherloc (09022015). Collection method: clinical testing. Allele origin: germline.

Blueprint Genetics
Classification: Likely benign. Last evaluated: 2024-07-16. Review status: criteria provided, single submitter. Criteria: ACMG Guidelines, 2015. Collection method: clinical testing. Allele origin: germline.

Athena Diagnostics
Classification: Benign. Last evaluated: 2021-04-20. Review status: criteria provided, single submitter. Criteria: Athena Diagnostics criteria. Collection method: clinical testing. Allele origin: unknown.

GeneDx
Classification: Benign. Last evaluated: 2020-01-08. Review status: criteria provided, single submitter. Criteria: GeneDx Variant Classification Process June 2021. Collection method: clinical testing. Allele origin: germline. Affected: yes.
Comment: This variant is associated with the following publications: (PMID: 23103419)

Ambry Genetics
Classification: Benign for Inborn genetic diseases. Last evaluated: 2019-10-28. Review status: criteria provided, single submitter. Criteria: Ambry Variant Classification Scheme 2023. Collection method: clinical testing. Allele origin: germline.

Eurofins Ntd Llc (ga)
Classification: Likely benign. Last evaluated: 2016-05-30. Review status: criteria provided, single submitter. Criteria: EGL Classification Definitions 2015. Collection method: clinical testing. Allele origin: germline. Observed: 1 variant allele, 1 heterozygote.

PreventionGenetics, part of Exact Sciences
Classification: Likely benign for CACNA1A-related condition. Last evaluated: 2020-02-17. Review status: no assertion criteria provided. Collection method: clinical testing. Allele origin: germline. Not counted in ClinVar's aggregate classification.
Comment: This variant is classified as likely benign based on ACMG/AMP sequence variant interpretation guidelines (Richards et al. 2015 PMID: 25741868, with internal and published modifications).

Literature cited by the submitters: PubMed 23103419 (cited by Athena Diagnostics and Ambry Genetics).